The following is an entry in ClinVar:

ClinVar aggregate classification (germline): Likely pathogenic (1 of 4 stars; one submission).

Conditions:
Developmental delay with variable intellectual impairment and behavioral abnormalities. Identifiers: MedGen C5193092, MONDO:0032745, OMIM 618430.

Submission:

Neuberg Centre For Genomic Medicine, NCGM
Classification: Likely pathogenic for Developmental delay with variable intellectual impairment and behavioral abnormalities. Review status: criteria provided, single submitter. Criteria: ACMG Guidelines, 2015. Collection method: clinical testing. Allele origin: germline. Inheritance: Autosomal dominant inheritance. Affected: yes.
Comment: The observed stop gained c.4657C>T (p.Gln1553Ter) variant in TCF20 gene has not been previously reported as a pathogenic variant nor as a benign variant to our knowledge. The p.Gln1553Ter variant is absent in gnomAD Exomes. This variant has not been submitted to the ClinVar database. Computational evidence (MutationTaster - Disease causing) predicts damaging effect on protein structure and function for this variant. The reference amino acid of p.Gln1553Ter in TCF20 gene is predicted as conserved by GERP++ and PhyloP across 100 vertebrates. This sequence change creates a premature translational stop signal (p.Gln1553Ter) in the TCF20 gene. This variant is predicted to cause loss of normal protein function through protein truncation. Loss of function variants in TCF20 gene have been previously reported to be disease causing (Torti et al., 2019). Additional functional studies will be required to prove the pathogenicity of this variant. For these reasons, this variant has been classified as Likely Pathogenic.

NM_001378418.1(TCF20):c.4657C>T (p.Gln1553Ter)

Gene: TCF20 (transcription factor 20; minus strand). Cytogenetic location: 22q13.2.
Variant type: single nucleotide variant.
Coding change: c.4657C>T on transcript NM_001378418.1 (MANE Select); coding-DNA position 4657, C replaced by T.
Protein change: p.Gln1553Ter; replaces glutamine 1553 with a stop codon.
Molecular consequence: nonsense.
Genome position (GRCh38, 1-based): chr22:42,210,649, G>A on the plus strand (C>T on the coding strand, the complement: TCF20 is on the minus strand). VCF-style: chr22-42210649-G-A. GRCh37 (hg19) VCF-style: chr22-42606655-G-A.
Other names: c.4657C>T, p.Gln1553Ter (NM_005650.4, NM_181492.3); short protein forms Q1553*.
Identifiers: ClinVar variation 3377570 (VCV003377570.1).
Genomic context (GRCh38, chr22:42,210,649, plus strand): 5'-CATCTGCAGAACCTTCTGGTATCTGTGGGGGCTGAGGGGGTGGAGGCGGTGGCTGCTGCT[G>A]TTTCTTTTGCTTATTCACACTACCAATGGGTCTCCCCTTCTTCTTTCCTGATGGGAAATA-3'